The following is an entry in ClinVar:

NM_004752.4(GCM2):c.1044T>C (p.His348=)

Gene: GCM2 (glial cells missing transcription factor 2; minus strand). Cytogenetic location: 6p24.2.
Variant type: single nucleotide variant.
Coding change: c.1044T>C on transcript NM_004752.4 (MANE Select); coding-DNA position 1044, T replaced by C.
Protein change: p.His348=; no amino-acid change (histidine 348 retained).
Molecular consequence: synonymous variant.
Genome position (GRCh38, 1-based): chr6:10,874,472, A>G on the plus strand (T>C on the coding strand, the complement: GCM2 is on the minus strand). VCF-style: chr6-10874472-A-G. GRCh37 (hg19) VCF-style: chr6-10874705-A-G.
Identifiers: ClinVar variation 3352394 (VCV003352394.3).

ClinVar aggregate classification (germline): Likely benign. Review status: criteria provided, single submitter (1 of 4 stars). 2 submissions from 2 submitters: Likely benign (1). 1 of the submissions does not count toward it. Last evaluated 2025-06-12.

Conditions:
GCM2-related disorder. Also called: GCM2-related condition.

gnomAD v4.1: 63 of 1,614,174 alleles (0.0039%); highest among the groups gnomAD compares: African/African-American, 0.049%; no homozygotes.

Submissions (2):

Labcorp Genetics (formerly Invitae), Labcorp
Classification: Likely benign. Last evaluated: 2025-06-12. Review status: criteria provided, single submitter. Criteria: Invitae Variant Classification Sherloc (09022015). Collection method: clinical testing. Allele origin: germline.

PreventionGenetics, part of Exact Sciences
Classification: Likely benign for GCM2-related condition. Last evaluated: 2024-07-30. Review status: no assertion criteria provided. Collection method: clinical testing. Allele origin: germline. Not counted in ClinVar's aggregate classification.
Comment: This variant is classified as likely benign based on ACMG/AMP sequence variant interpretation guidelines (Richards et al. 2015 PMID: 25741868, with internal and published modifications).